The following is an entry in ClinVar:

NM_052844.4(DYNC2I2):c.56C>T (p.Ala19Val)

Gene: DYNC2I2 (dynein 2 intermediate chain 2; minus strand). Cytogenetic location: 9q34.11.
Variant type: single nucleotide variant.
Coding change: c.56C>T on transcript NM_052844.4 (MANE Select); coding-DNA position 56, C replaced by T.
Protein change: p.Ala19Val; replaces alanine 19 with valine.
Molecular consequence: missense variant.
Genome position (GRCh38, 1-based): chr9:128,656,671, G>A on the plus strand (C>T on the coding strand, the complement: DYNC2I2 is on the minus strand). VCF-style: chr9-128656671-G-A. GRCh37 (hg19) VCF-style: chr9-131418950-G-A.
Other names: short protein forms A19V.
Identifiers: ClinVar variation 1977895 (VCV001977895.5), dbSNP rs1303318440, ClinGen allele CA375051606.
Genomic context (GRCh38, chr9:128,656,671, plus strand): 5'-TGCAGCGGCCCTGGCCGCCCCGGCCCCGGGCCGCTCGCAACCCCGACTGTCGCCAGCGCC[G>A]CAACACCAGCGCTTCCCGCCTGGCTGAGTGGCCCCGGCTGCGCGCGGGTTGCCATGGAGA-3'
Protein context (NP_443076.2, residues 9-29): PLSQAGSAGV[Ala19Val]ALATVGVASG

ClinVar aggregate classification (germline): Uncertain significance (1 of 4 stars; one submission).

Conditions:
Short-rib thoracic dysplasia 11 with or without polydactyly (SRTD11). Also called: SHORT-RIB THORACIC DYSPLASIA 11 WITHOUT POLYDACTYLY. Identifiers: Orphanet 474, Orphanet 93271, MedGen C3810200, MONDO:0014287, OMIM 615633.

Submission:

Labcorp Genetics (formerly Invitae), Labcorp
Classification: Uncertain significance for Short-rib thoracic dysplasia 11 with or without polydactyly. Last evaluated: 2022-06-14. Review status: criteria provided, single submitter. Criteria: Invitae Variant Classification Sherloc (09022015). Collection method: clinical testing. Allele origin: germline.
Comment: In summary, the available evidence is currently insufficient to determine the role of this variant in disease. Therefore, it has been classified as a Variant of Uncertain Significance. Algorithms developed to predict the effect of missense changes on protein structure and function output the following: SIFT: "Tolerated"; PolyPhen-2: "Benign"; Align-GVGD: "Class C0". The valine amino acid residue is found in multiple mammalian species, which suggests that this missense change does not adversely affect protein function. This variant has not been reported in the literature in individuals affected with WDR34-related conditions. This variant is not present in population databases (gnomAD no frequency). This sequence change replaces alanine, which is neutral and non-polar, with valine, which is neutral and non-polar, at codon 19 of the WDR34 protein (p.Ala19Val).